The following is an entry in ClinVar:

ClinVar aggregate classification (germline): Uncertain significance (1 of 4 stars; one submission).

Submission:

Labcorp Genetics (formerly Invitae), Labcorp
Classification: Uncertain significance. Last evaluated: 2022-08-16. Review status: criteria provided, single submitter. Criteria: Invitae Variant Classification Sherloc (09022015). Collection method: clinical testing. Allele origin: germline.
Comment: In summary, the available evidence is currently insufficient to determine the role of this variant in disease. Therefore, it has been classified as a Variant of Uncertain Significance. Algorithms developed to predict the effect of missense changes on protein structure and function are either unavailable or do not agree on the potential impact of this missense change (SIFT: "Deleterious"; PolyPhen-2: "Probably Damaging"; Align-GVGD: "Class C0"). This variant has not been reported in the literature in individuals affected with PDE6H-related conditions. This variant is not present in population databases (gnomAD no frequency). This sequence change replaces glycine, which is neutral and non-polar, with glutamic acid, which is acidic and polar, at codon 55 of the PDE6H protein (p.Gly55Glu).

NM_006205.3(PDE6H):c.164G>A (p.Gly55Glu)

Gene: PDE6H (phosphodiesterase 6H; plus strand). Cytogenetic location: 12p12.3.
Variant type: single nucleotide variant.
Coding change: c.164G>A on transcript NM_006205.3 (MANE Select); coding-DNA position 164, G replaced by A.
Protein change: p.Gly55Glu; replaces glycine 55 with glutamic acid.
Molecular consequence: missense variant.
Genome position (GRCh38, 1-based): chr12:14,979,208, G>A. VCF-style: chr12-14979208-G-A. GRCh37 (hg19) VCF-style: chr12-15132142-G-A.
Other names: short protein forms G55E.
Identifiers: ClinVar variation 2115316 (VCV002115316.4), dbSNP rs772740904, ClinGen allele CA384024376.
Genomic context (GRCh38, chr12:14,979,208, plus strand): 5'-CAGCTAATTTCTCCTTTATTCTTTTCCATAGATTTGGAGATGACATTCCAGGAATGGAGG[G>A]GCTAGGAACAGGTAAGCCATCCACTGATTTAAGTGAGAACTTCGCACTTGGAGTTCTGCC-3'
Protein context (NP_006196.1, residues 45-65): GFGDDIPGME[Gly55Glu]LGTDITVICP